The following is an entry in ClinVar:

NM_001040142.2(SCN2A):c.773_776del (p.Phe257_Cys258insTer)

Gene: SCN2A (sodium voltage-gated channel alpha subunit 2; plus strand). Cytogenetic location: 2q24.3.
Variant type: Deletion.
Coding change: c.773_776del on transcript NM_001040142.2 (MANE Select); coding-DNA positions 773 to 776, 4 bases deleted (GTCT; older notation c.773_776delGTCT).
Protein change: p.Phe257_Cys258insTer.
Molecular consequence: nonsense.
Genome position (GRCh38, 1-based): chr2:165,310,398-165,310,401, GTCT deleted; deleting any 4 consecutive bases within chr2:165,310,395-165,310,401 gives the same sequence; the c. name uses the placement nearest the transcript's 3' end. VCF-style (leftmost placement, unchanged base first): chr2-165310394-TTCTG-T. GRCh37 (hg19) VCF-style: chr2-166166904-TTCTG-T.
Other names: c.773_776del, p.Phe257_Cys258insTer (NM_001040143.2, NM_001371246.1, NM_001371247.1 and 1 more transcripts).
Identifiers: ClinVar variation 1410983 (VCV001410983.6), dbSNP rs2105247288, ClinGen allele CA2573133605.

ClinVar aggregate classification (germline): Pathogenic (1 of 4 stars; one submission).

Conditions:
Seizures, benign familial infantile, 3 (BFIS3). Also called: Familial neonatal seizures; CONVULSIONS, BENIGN FAMILIAL INFANTILE, 3. Identifiers: Orphanet 140927, Orphanet 306, MedGen C1843140, MONDO:0011904, OMIM 607745.
Developmental and epileptic encephalopathy, 11 (DEE11). Also called: Early infantile epileptic encephalopathy 11. Identifiers: Orphanet 1934, MedGen C3150987, MONDO:0013388, OMIM 613721.

Submission:

Labcorp Genetics (formerly Invitae), Labcorp
Classification: Pathogenic for Seizures, benign familial infantile, 3; Developmental and epileptic encephalopathy, 11. Last evaluated: 2022-06-27. Review status: criteria provided, single submitter. Criteria: Invitae Variant Classification Sherloc (09022015). Collection method: clinical testing. Allele origin: germline.
Comment: This sequence change creates a premature translational stop signal (p.Cys258*) in the SCN2A gene. It is expected to result in an absent or disrupted protein product. Loss-of-function variants in SCN2A are known to be pathogenic (PMID: 28379373). This variant has not been reported in the literature in individuals affected with SCN2A-related conditions. This variant is not present in population databases (gnomAD no frequency). For these reasons, this variant has been classified as Pathogenic.

Literature cited by the submitters: PubMed 28379373.